The following is an entry in ClinVar:

ClinVar aggregate classification (germline): Uncertain significance. Review status: criteria provided, multiple submitters, no conflicts (2 of 4 stars). 2 submissions from 2 submitters: Uncertain significance (2). Last evaluated 2023-07-25.

Conditions:
Cardiovascular phenotype. Identifiers: MedGen CN230736.
Hereditary cancer-predisposing syndrome. Also called: Neoplastic Syndromes, Hereditary; Tumor predisposition; Hereditary Cancer Syndrome; Hereditary neoplastic syndrome. Identifiers: Orphanet 140162, MedGen C0027672, MeSH D009386, MONDO:0015356.
LZTR1-related schwannomatosis. Also called: Schwannomatosis 2; Schwannomatosis-2, susceptibility to. Identifiers: Orphanet 93921, MedGen C3810283, MONDO:0014299, OMIM 615670.

Allele frequency attached by ClinVar (database versions not stated): gnomAD exomes below 0.00001.
gnomAD v4.1: 3 of 1,613,712 alleles (0.00019%); highest among the groups gnomAD compares: Admixed American, 0.0017%; no homozygotes.

Submissions (2):

Baylor Genetics
Classification: Uncertain significance for LZTR1-related schwannomatosis. Last evaluated: 2023-07-25. Review status: criteria provided, single submitter. Criteria: ACMG Guidelines, 2015. Collection method: clinical testing. Allele origin: unknown.

Ambry Genetics
Classification: Uncertain significance for Cardiovascular phenotype; Hereditary cancer-predisposing syndrome. Last evaluated: 2023-06-12. Review status: criteria provided, single submitter. Criteria: Ambry Variant Classification Scheme 2023. Collection method: clinical testing. Allele origin: germline.
Comment: The p.I708F variant (also known as c.2122A>T), located in coding exon 18 of the LZTR1 gene, results from an A to T substitution at nucleotide position 2122. The isoleucine at codon 708 is replaced by phenylalanine, an amino acid with highly similar properties. This amino acid position is conserved. In addition, this alteration is predicted to be deleterious by in silico analysis. Since supporting evidence is limited at this time, the clinical significance of this alteration remains unclear.

NM_006767.4(LZTR1):c.2122A>T (p.Ile708Phe)

Gene: LZTR1 (leucine zipper like post translational regulator 1; plus strand). Cytogenetic location: 22q11.21.
Variant type: single nucleotide variant.
Coding change: c.2122A>T on transcript NM_006767.4 (MANE Select); coding-DNA position 2122, A replaced by T.
Protein change: p.Ile708Phe; replaces isoleucine 708 with phenylalanine.
Molecular consequence: missense variant.
Genome position (GRCh38, 1-based): chr22:20,996,015, A>T. VCF-style: chr22-20996015-A-T. GRCh37 (hg19) VCF-style: chr22-21350304-A-T.
Other names: c.2122A>T (NM_006767.3); short protein forms I708F.
Identifiers: ClinVar variation 2676402 (VCV002676402.2), dbSNP rs1924830367, ClinGen allele CA410779426.